The following is an entry in ClinVar:

NM_177438.3(DICER1):c.3783G>A (p.Met1261Ile)

Gene: DICER1 (dicer 1, ribonuclease III; minus strand). Cytogenetic location: 14q32.13.
Variant type: single nucleotide variant.
Coding change: c.3783G>A on transcript NM_177438.3 (MANE Select); coding-DNA position 3783, G replaced by A.
Protein change: p.Met1261Ile; replaces methionine 1261 with isoleucine.
Molecular consequence: missense variant.
Genome position (GRCh38, 1-based): chr14:95,103,613, C>T on the plus strand (G>A on the coding strand, the complement: DICER1 is on the minus strand). VCF-style: chr14-95103613-C-T. GRCh37 (hg19) VCF-style: chr14-95569950-C-T.
Other names: c.3783G>A, p.Met1261Ile (NM_001195573.1, NM_001271282.3, NM_001291628.2 and 1 more transcripts); short protein forms M1261I.
Identifiers: ClinVar variation 936465 (VCV000936465.12), dbSNP rs1891104276, ClinGen allele CA390873490.
Genomic context (GRCh38, chr14:95,103,613, plus strand): 5'-AGGGCTCTGCTCAGAATCCATCCTGCCCTTGAGCACTTGAATAGTGTCTGTCGTACCAGG[C>T]ATTACGGCCATCACAGGACTTCCATCTGAGGTAGATTTGTTAGCATTTCCATCAAGGTAT-3'
Protein context (NP_803187.1, residues 1251-1271): TSDGSPVMAV[Met1261Ile]PGTTDTIQVL

ClinVar aggregate classification (germline): Uncertain significance. Review status: criteria provided, multiple submitters, no conflicts (2 of 4 stars). 2 submissions from 2 submitters: Uncertain significance (2). Last evaluated 2025-05-16.

Conditions:
DICER1-related tumor predisposition. Also called: DICER1 syndrome; DICER1-related pleuropulmonary blastoma cancer predisposition syndrome. Identifiers: Orphanet 284343, MedGen C3839822, MONDO:0100216.
Hereditary cancer-predisposing syndrome. Also called: Tumor predisposition; Hereditary neoplastic syndrome; Neoplastic Syndromes, Hereditary; Hereditary Cancer Syndrome. Identifiers: Orphanet 140162, MedGen C0027672, MeSH D009386, MONDO:0015356.

Submissions (2):

Ambry Genetics
Classification: Uncertain significance for Hereditary cancer-predisposing syndrome. Last evaluated: 2025-05-16. Review status: criteria provided, single submitter. Criteria: Ambry Variant Classification Scheme 2023. Collection method: clinical testing. Allele origin: germline.
Comment: The p.M1261I variant (also known as c.3783G>A), located in coding exon 20 of the DICER1 gene, results from a G to A substitution at nucleotide position 3783. The methionine at codon 1261 is replaced by isoleucine, an amino acid with highly similar properties. This amino acid position is conserved. In addition, this alteration is predicted to be tolerated by in silico analysis. Based on the available evidence, the clinical significance of this variant remains unclear.

Labcorp Genetics (formerly Invitae), Labcorp
Classification: Uncertain significance for DICER1-related tumor predisposition. Last evaluated: 2024-07-31. Review status: criteria provided, single submitter. Criteria: Invitae Variant Classification Sherloc (09022015). Collection method: clinical testing. Allele origin: germline.
Comment: This sequence change replaces methionine, which is neutral and non-polar, with isoleucine, which is neutral and non-polar, at codon 1261 of the DICER1 protein (p.Met1261Ile). This variant is not present in population databases (gnomAD no frequency). This variant has not been reported in the literature in individuals affected with DICER1-related conditions. ClinVar contains an entry for this variant (Variation ID: 936465). An algorithm developed to predict the effect of missense changes on protein structure and function outputs the following: PolyPhen-2: "Benign". The isoleucine amino acid residue is found in multiple mammalian species, which suggests that this missense change does not adversely affect protein function. In summary, the available evidence is currently insufficient to determine the role of this variant in disease. Therefore, it has been classified as a Variant of Uncertain Significance.